The following is an entry in ClinVar:

NM_001042475.3(CEP85L):c.1395A>G (p.Arg465=)

Gene: CEP85L (centrosomal protein 85L; minus strand). Cytogenetic location: 6q22.31.
Variant type: single nucleotide variant.
Coding change: c.1395A>G on transcript NM_001042475.3 (MANE Select); coding-DNA position 1395, A replaced by G.
Protein change: p.Arg465=; no amino-acid change (arginine 465 retained).
Molecular consequence: synonymous variant.
Genome position (GRCh38, 1-based): chr6:118,491,728, T>C on the plus strand (A>G on the coding strand, the complement: CEP85L is on the minus strand). VCF-style: chr6-118491728-T-C. GRCh37 (hg19) VCF-style: chr6-118812891-T-C.
Other names: c.1404A>G, p.Arg468= (NM_001178035.2); c.1395A>G, p.Arg465= (NM_206921.3).
Identifiers: ClinVar variation 2656884 (VCV002656884.24), dbSNP rs2533916236, ClinGen allele CA452132118.

ClinVar aggregate classification (germline): Likely benign (1 of 4 stars; one submission).

Allele frequency attached by ClinVar (database versions not stated): gnomAD exomes below 0.00001.
gnomAD v4.1: 1 of 1,613,212 alleles (0.000062%); highest among the groups gnomAD compares: Non-Finnish European, 0.000085%; no homozygotes.

Submission:

CeGaT Center for Human Genetics Tuebingen
Classification: Likely benign. Last evaluated: 2023-07-01. Review status: criteria provided, single submitter. Criteria: CeGaT Center For Human Genetics Tuebingen Variant Classification Criteria Version 2. Collection method: clinical testing. Allele origin: germline. Affected: yes. Observed: 1 variant allele.
Comment: CEP85L: PM2:Supporting, BP4, BP7